The following is an entry in ClinVar:

NM_207346.3(TSEN54):c.1039_1041delinsTAC (p.Lys347Tyr)

Gene: TSEN54 (tRNA splicing endonuclease subunit 54; plus strand). Cytogenetic location: 17q25.1.
Variant type: Indel.
Coding change: c.1039_1041delinsTAC on transcript NM_207346.3 (MANE Select); coding-DNA positions 1039 to 1041, AAG replaced by TAC.
Protein change: p.Lys347Tyr; replaces lysine 347 with tyrosine.
Molecular consequence: missense variant.
Genome position (GRCh38, 1-based): chr17:75,522,120-75,522,122, AAG replaced by TAC. VCF-style: chr17-75522120-AAG-TAC. GRCh37 (hg19) VCF-style: chr17-73518201-AAG-TAC.
Other names: short protein forms K347Y.
Identifiers: ClinVar variation 586846 (VCV000586846.5), dbSNP rs1568003520, ClinGen allele CA891844146.

ClinVar aggregate classification (germline): Uncertain significance. Review status: criteria provided, multiple submitters, no conflicts (2 of 4 stars). 4 submissions from 4 submitters: Uncertain significance (3). 1 of the submissions does not count toward it. Last evaluated 2026-02-14.

Conditions:
Pontocerebellar hypoplasia type 4 (PCH4). Also called: Pontocerebellar Hypoplasia Type 4 (PCH4). Identifiers: Orphanet 166063, MedGen C1856974, MONDO:0009166, OMIM 225753.
Pontocerebellar hypoplasia type 2A (PCH2A). Also called: VOLENDAM NEURODEGENERATIVE DISEASE; PONTOCEREBELLAR HYPOPLASIA WITH PROGRESSIVE CEREBRAL ATROPHY. Identifiers: Orphanet 2524, MedGen C1848526, MONDO:0010190, OMIM 277470.
Pontocerebellar hypoplasia type 5 (PCH5). Also called: Pontocerebellar Hypoplasia Type 5 (PCH5). Identifiers: Orphanet 166068, MedGen C1857762, MONDO:0012438, OMIM 610204.
TSEN54-related disorder. Also called: TSEN54-related condition.

Submissions (4):

GeneDx
Classification: Uncertain significance. Last evaluated: 2026-02-14. Review status: criteria provided, single submitter. Criteria: GeneDx Variant Classification Process June 2021. Collection method: clinical testing. Allele origin: germline.
Comment: In silico analysis supports a deleterious effect on protein structure/function; Has not been previously published as pathogenic or benign to our knowledge

Fulgent Genetics
Classification: Uncertain significance for Pontocerebellar hypoplasia type 4; Pontocerebellar hypoplasia type 2A; Pontocerebellar hypoplasia type 5. Last evaluated: 2021-07-25. Review status: criteria provided, single submitter. Criteria: ACMG Guidelines, 2015. Collection method: clinical testing. Allele origin: unknown.

Athena Diagnostics
Classification: Uncertain significance. Last evaluated: 2018-03-14. Review status: criteria provided, single submitter. Criteria: Athena Diagnostics Criteria. Collection method: clinical testing. Allele origin: germline.

PreventionGenetics, part of Exact Sciences
Classification: Uncertain significance for TSEN54-related condition. Last evaluated: 2024-08-30. Review status: no assertion criteria provided. Collection method: clinical testing. Allele origin: germline. Not counted in ClinVar's aggregate classification.
Comment: The TSEN54 c.1039_1041delinsTAC variant is predicted to result in an in-frame deletion and insertion. To our knowledge, this variant has not been reported in the literature or in a large population database, indicating this variant is rare. At this time, the clinical significance of this variant is uncertain due to the absence of conclusive functional and genetic evidence.